The following is an entry in ClinVar:

ClinVar aggregate classification (germline): Likely benign (1 of 4 stars; one submission).

Conditions:
Epidermolysis bullosa simplex. Also called: Epidermolysis bullosa simplex, Weber-Cockayne type (subtype); Epidermolysis bullosa simplex, Dowling-Meara type (subtype); Epidermolysis bullosa simplex with mottled pigmentation (subtype). Identifiers: Orphanet 304, MedGen C0079298, MONDO:0017610.

Allele frequency attached by ClinVar (database versions not stated): TOPMed 0.00002; gnomAD 0.00007 and 0.00008; 1000 Genomes Project 30x 0.00016; gnomAD exomes 0.00016; ExAC 0.00018; 1000 Genomes Project 0.00020.
gnomAD v4.1: 112 of 1,608,892 alleles (0.007%); highest among the groups gnomAD compares: Non-Finnish European, 0.0025%; no homozygotes.

Submission:

Illumina Laboratory Services, Illumina
Classification: Likely benign for Epidermolysis bullosa simplex. Last evaluated: 2018-01-12. Review status: criteria provided, single submitter. Criteria: ICSL Variant Classification Criteria 13 December 2019. Collection method: clinical testing. Allele origin: germline.
Comment: This variant was observed in the ICSL laboratory as part of a predisposition screen in an ostensibly healthy population. It had not been previously curated by ICSL or reported in the Human Gene Mutation Database (HGMD: prior to June 1st, 2018), and was therefore a candidate for classification through an automated scoring system. Utilizing variant allele frequency, disease prevalence and penetrance estimates, and inheritance mode, an automated score was calculated to assess if this variant is too frequent to cause the disease. Based on the score and internal cut-off values, a variant classified as likely benign is not then subjected to further curation. The score for this variant resulted in a classification of likely benign for this disease.

NM_000424.4(KRT5):c.1495T>C (p.Ser499Pro)

Gene: KRT5 (keratin 5; minus strand). Cytogenetic location: 12q13.13.
Variant type: single nucleotide variant.
Coding change: c.1495T>C on transcript NM_000424.4 (MANE Select); coding-DNA position 1495, T replaced by C.
Protein change: p.Ser499Pro; replaces serine 499 with proline.
Molecular consequence: missense variant.
Genome position (GRCh38, 1-based): chr12:52,515,220, A>G on the plus strand (T>C on the coding strand, the complement: KRT5 is on the minus strand). VCF-style: chr12-52515220-A-G. GRCh37 (hg19) VCF-style: chr12-52909004-A-G.
Other names: short protein forms S499P.
Identifiers: ClinVar variation 884124 (VCV000884124.4), dbSNP rs201274668, ClinGen allele CA6582477.